The following is an entry in ClinVar:

ClinVar aggregate classification (germline): Pathogenic (1 of 4 stars; one submission).

Allele frequency attached by ClinVar (database versions not stated): gnomAD exomes below 0.00001.
gnomAD v4.1: 1 of 1,595,864 alleles (0.000063%); highest among the groups gnomAD compares: Non-Finnish European, 0.000086%; no homozygotes.

Submission:

CeGaT Center for Human Genetics Tuebingen
Classification: Pathogenic. Last evaluated: 2023-11-01. Review status: criteria provided, single submitter. Criteria: CeGaT Center For Human Genetics Tuebingen Variant Classification Criteria Version 2. Collection method: clinical testing. Allele origin: germline. Affected: yes. Observed: 2 variant alleles.
Comment: OPA1: PVS1, PM2, PS4:Supporting

NM_130837.3(OPA1):c.2440+1G>A

Gene: OPA1 (OPA1 mitochondrial dynamin like GTPase; plus strand). Cytogenetic location: 3q29.
Variant type: single nucleotide variant.
Coding change: c.2440+1G>A on transcript NM_130837.3 (MANE Select); the canonical splice donor site of the intron after coding-DNA position 2440, G replaced by A.
Molecular consequence: splice donor variant.
Genome position (GRCh38, 1-based): chr3:193,658,996, G>A. VCF-style: chr3-193658996-G-A. GRCh37 (hg19) VCF-style: chr3-193376785-G-A.
Other names: c.1903+1G>A (NM_001354664.2); c.1906+1G>A (NM_001354663.2); c.2329+1G>A (NM_130834.3); c.2386+1G>A (NM_130836.3); c.2275+1G>A (NM_015560.3); c.2332+1G>A (NM_130835.3); c.2221+1G>A (NM_130832.3); c.2278+1G>A (NM_130833.3); and 1 more.
Identifiers: ClinVar variation 2578958 (VCV002578958.25), dbSNP rs2475079378, ClinGen allele CA355792112.